The following is an entry in ClinVar:

NM_000535.7(PMS2):c.24-2A>G

Gene: PMS2 (PMS1 homolog 2, mismatch repair system component; minus strand). Cytogenetic location: 7p22.1.
Variant type: single nucleotide variant.
Coding change: c.24-2A>G on transcript NM_000535.7 (MANE Select); the canonical splice acceptor site of the intron before coding-DNA position 24, A replaced by G.
Molecular consequence: splice acceptor variant. On other transcripts: intron variant (22).
Genome position (GRCh38, 1-based): chr7:6,006,033, T>C on the plus strand (A>G on the coding strand, the complement: PMS2 is on the minus strand). VCF-style: chr7-6006033-T-C. GRCh37 (hg19) VCF-style: chr7-6045664-T-C.
Other names: c.-377-7A>G (NM_001406887.1, NM_001406897.1, NM_001322009.2 and 6 more transcripts); c.-456-7A>G (NM_001322015.2); c.-192-2A>G (NM_001406896.1, NM_001406901.1, NM_001406903.1 and 2 more transcripts); c.24-2A>G (NM_001406885.1, NM_001406886.1, NM_001406884.1 and 10 more transcripts); c.-358-2A>G (NM_001406900.1); c.-329-2A>G (NM_001406909.1, NM_001406907.1, NM_001406892.1 and 3 more transcripts); c.-408-2A>G (NM_001406880.1); c.-372-2A>G (NM_001406890.1); and 12 more.
Identifiers: ClinVar variation 821259 (VCV000821259.5), dbSNP rs1583419860, ClinGen allele CA366745211.

ClinVar aggregate classification (germline): Likely pathogenic. Review status: criteria provided, multiple submitters, no conflicts (2 of 4 stars). 2 submissions from 2 submitters: Likely pathogenic (2). Last evaluated 2024-02-08.

Conditions:
Hereditary cancer-predisposing syndrome. Also called: Neoplastic Syndromes, Hereditary; Tumor predisposition; Hereditary Cancer Syndrome; Hereditary neoplastic syndrome. Identifiers: Orphanet 140162, MedGen C0027672, MeSH D009386, MONDO:0015356.

Submissions (2):

Hereditary Cancer Laboratory, Hospital Universitario 12 de Octubre
Classification: Likely pathogenic for Hereditary cancer-predisposing syndrome. Last evaluated: 2024-02-08. Review status: criteria provided, single submitter. Criteria: ACMG Guidelines, 2015. Collection method: clinical testing. Allele origin: germline.
Comment: PVS1, PM2

Ambry Genetics
Classification: Likely pathogenic for Hereditary cancer-predisposing syndrome. Last evaluated: 2019-04-10. Review status: criteria provided, single submitter. Criteria: Ambry Variant Classification Scheme 2023. Collection method: clinical testing. Allele origin: germline.
Comment: The c.24-2A>G intronic variant results from an A to G substitution two nucleotides upstream from coding exon 2 in the PMS2 gene. This nucleotide position is highly conserved in available vertebrate species. Using the BDGP and ESEfinder splice site prediction tools, this alteration is predicted to abolish the native splice acceptor site; however, direct evidence is unavailable. In addition to the clinical data presented in the literature, alterations that disrupt the canonical splice site are expected to cause aberrant splicing, resulting in an abnormal protein or a transcript that is subject to nonsense-mediated mRNA decay. As such, this variant is likely to be pathogenic.

Literature cited by the submitters: PubMed 25512458 (cited by Ambry Genetics).